The following is an entry in ClinVar:

ClinVar aggregate classification (germline): Likely pathogenic (1 of 4 stars; one submission).

Submission:

Labcorp Genetics (formerly Invitae), Labcorp
Classification: Likely pathogenic. Last evaluated: 2018-05-02. Review status: criteria provided, single submitter. Criteria: Invitae Variant Classification Sherloc (09022015). Collection method: clinical testing. Allele origin: germline.
Comment: This variant has been observed to be de novo in an individual affected with macrocephaly, overgrowth, cerebellar hypoplasia, hypotonia, and developmental delay (Invitae). This variant is not present in population databases (ExAC no frequency). This sequence change replaces isoleucine with methionine at codon 1912 of the NSD1 protein (p.Ile1912Met). The isoleucine residue is moderately conserved and there is a small physicochemical difference between isoleucine and methionine. Algorithms developed to predict the effect of missense changes on protein structure and function do not agree on the potential impact of this missense change (SIFT: "Deleterious"; PolyPhen-2: "Probably Damaging"; Align-GVGD: "Class C0"). In summary, the currently available evidence indicates that the variant is pathogenic, but additional data are needed to prove that conclusively. Therefore, this variant has been classified as Likely Pathogenic.

NM_022455.5(NSD1):c.5736C>G (p.Ile1912Met)

Gene: NSD1 (nuclear receptor binding SET domain protein 1; plus strand). Cytogenetic location: 5q35.3.
Variant type: single nucleotide variant.
Coding change: c.5736C>G on transcript NM_022455.5 (MANE Select); coding-DNA position 5736, C replaced by G.
Protein change: p.Ile1912Met; replaces isoleucine 1912 with methionine.
Molecular consequence: missense variant.
Genome position (GRCh38, 1-based): chr5:177,280,678, C>G. VCF-style: chr5-177280678-C-G. GRCh37 (hg19) VCF-style: chr5-176707679-C-G.
Other names: c.4863C>G, p.Ile1621Met (NM_001365684.2, NM_001409308.1, NM_001409309.1 and 1 more transcripts); c.5736C>G, p.Ile1912Met (NM_001409301.1, NM_001409302.1, NM_001409303.1); c.5316C>G, p.Ile1772Met (NM_001409304.1); c.4983C>G, p.Ile1661Met (NM_001409305.1); c.4974C>G, p.Ile1658Met (NM_001409306.1, NM_001409307.1); short protein forms I1912M, I1643M, I1658M, I1661M, I1772M, I1621M.
Identifiers: ClinVar variation 578350 (VCV000578350.9), dbSNP rs1562292890, ClinGen allele CA362312915.
Genomic context (GRCh38, chr5:177,280,678, plus strand): 5'-ACCCCGTTGCAACTGTAAAGCTACTGATGAGAACCCCTGTGGGATAGACTCTGAATGCAT[C>G]AACCGCATGCTGCTCTATGAGTGCCACCCCACAGTGTGTCCTGCCGGAGGGCGCTGTCAA-3'
Protein context (NP_071900.2, residues 1902-1922): ENPCGIDSEC[Ile1912Met]NRMLLYECHP